The following is an entry in ClinVar:

ClinVar aggregate classification (germline): Uncertain significance. Review status: criteria provided, multiple submitters, no conflicts (2 of 4 stars). 3 submissions from 3 submitters: Uncertain significance (3). Last evaluated 2025-09-22.

Conditions:
Hereditary cancer-predisposing syndrome. Also called: Neoplastic Syndromes, Hereditary; Tumor predisposition; Hereditary Cancer Syndrome; Hereditary neoplastic syndrome. Identifiers: Orphanet 140162, MedGen C0027672, MeSH D009386, MONDO:0015356.
Cardiovascular phenotype. Identifiers: MedGen CN230736.
Neurofibromatosis, type 1 (NF1). Also called: NEUROFIBROMATOSIS, TYPE I, SOMATIC; Neurofibromatosis, type I; Peripheral type neurofibromatosis; VON RECKLINGHAUSEN DISEASE. Identifiers: Orphanet 636, MedGen C0027831, MONDO:0018975, OMIM 162200. Disease mechanism: loss of function.

Submissions (3):

Ambry Genetics
Classification: Uncertain significance for Cardiovascular phenotype; Hereditary cancer-predisposing syndrome. Last evaluated: 2025-09-22. Review status: criteria provided, single submitter. Criteria: Ambry Variant Classification Scheme 2023. Collection method: clinical testing. Allele origin: germline.
Comment: The p.S1540R variant (also known as c.4620C>G), located in coding exon 34 of the NF1 gene, results from a C to G substitution at nucleotide position 4620. The serine at codon 1540 is replaced by arginine, an amino acid with dissimilar properties. This amino acid position is conserved. In addition, the in silico prediction for this alteration is inconclusive. Based on the available evidence, the clinical significance of this variant remains unclear.

Labcorp Genetics (formerly Invitae), Labcorp
Classification: Uncertain significance for Neurofibromatosis, type 1. Last evaluated: 2025-05-12. Review status: criteria provided, single submitter. Criteria: Invitae Variant Classification Sherloc (09022015). Collection method: clinical testing. Allele origin: germline.
Comment: This sequence change replaces serine, which is neutral and polar, with arginine, which is basic and polar, at codon 1540 of the NF1 protein (p.Ser1540Arg). This variant is not present in population databases (gnomAD no frequency). This variant has not been reported in the literature in individuals affected with NF1-related conditions. ClinVar contains an entry for this variant (Variation ID: 1046281). Invitae Evidence Modeling of protein sequence and biophysical properties (such as structural, functional, and spatial information, amino acid conservation, physicochemical variation, residue mobility, and thermodynamic stability) indicates that this missense variant is expected to disrupt NF1 protein function with a positive predictive value of 95%. In summary, the available evidence is currently insufficient to determine the role of this variant in disease. Therefore, it has been classified as a Variant of Uncertain Significance.

Dasa
Classification: Uncertain significance. Last evaluated: 2025-05-06. Review status: criteria provided, single submitter. Criteria: DASA Assertion Criteria. Collection method: clinical testing. Allele origin: germline.
Comment: NM_001042492.3(NF1):c.4683C>G (p.Ser1561Arg) is a missense variant that results in the substitution of serine with arginine. This variant is absent from population databases. Computational prediction algorithms are consistent with a benign effect. The currently available literature and clinical evidence are not sufficient to establish a definitive association between this variant and the reported condition. Therefore, this variant is classified as a variant of uncertain significance.

NM_001042492.3(NF1):c.4683C>G (p.Ser1561Arg)

Gene: NF1 (neurofibromin 1; plus strand). Cytogenetic location: 17q11.2.
Variant type: single nucleotide variant.
Coding change: c.4683C>G on transcript NM_001042492.3 (MANE Select); coding-DNA position 4683, C replaced by G.
Protein change: p.Ser1561Arg; replaces serine 1561 with arginine.
Molecular consequence: missense variant.
Genome position (GRCh38, 1-based): chr17:31,261,816, C>G. VCF-style: chr17-31261816-C-G. GRCh37 (hg19) VCF-style: chr17-29588834-C-G.
Other names: c.4620C>G, p.Ser1540Arg (NM_000267.4); short protein forms S1561R, S1540R.
Identifiers: ClinVar variation 1046281 (VCV001046281.8), dbSNP rs2067691723, ClinGen allele CA399000509.